The following is an entry in ClinVar:

NM_020937.4(FANCM):c.5713A>G (p.Thr1905Ala)

Gene: FANCM (FA complementation group M; plus strand). Cytogenetic location: 14q21.2.
Variant type: single nucleotide variant.
Coding change: c.5713A>G on transcript NM_020937.4 (MANE Select); coding-DNA position 5713, A replaced by G.
Protein change: p.Thr1905Ala; replaces threonine 1905 with alanine.
Molecular consequence: missense variant.
Genome position (GRCh38, 1-based): chr14:45,196,544, A>G. VCF-style: chr14-45196544-A-G. GRCh37 (hg19) VCF-style: chr14-45665747-A-G.
Other names: c.5635A>G, p.Thr1879Ala (NM_001308133.2); short protein forms T1879A, T1905A.
Identifiers: ClinVar variation 2016772 (VCV002016772.4), dbSNP rs1890070997, ClinGen allele CA389586486.

ClinVar aggregate classification (germline): Uncertain significance (1 of 4 stars; one submission).

Conditions:
Fanconi anemia (FA). Also called: Fanconi's anemia. Identifiers: Orphanet 84, MedGen C0015625, MeSH D005199, MONDO:0019391.

Allele frequency attached by ClinVar (database versions not stated): TOPMed below 0.00001.

Submission:

Labcorp Genetics (formerly Invitae), Labcorp
Classification: Uncertain significance for Fanconi anemia. Last evaluated: 2022-07-13. Review status: criteria provided, single submitter. Criteria: Invitae Variant Classification Sherloc (09022015). Collection method: clinical testing. Allele origin: germline.
Comment: In summary, the available evidence is currently insufficient to determine the role of this variant in disease. Therefore, it has been classified as a Variant of Uncertain Significance. Algorithms developed to predict the effect of missense changes on protein structure and function output the following: SIFT: "Tolerated"; PolyPhen-2: "Benign"; Align-GVGD: "Class C0". The alanine amino acid residue is found in multiple mammalian species, which suggests that this missense change does not adversely affect protein function. This variant has not been reported in the literature in individuals affected with FANCM-related conditions. This variant is not present in population databases (gnomAD no frequency). This sequence change replaces threonine, which is neutral and polar, with alanine, which is neutral and non-polar, at codon 1905 of the FANCM protein (p.Thr1905Ala).